The following is an entry in ClinVar:

ClinVar aggregate classification (germline): Uncertain significance. Review status: criteria provided, multiple submitters, no conflicts (2 of 4 stars). 3 submissions from 3 submitters: Uncertain significance (3). Last evaluated 2025-09-26.

Conditions:
Glutathione synthetase deficiency without 5-oxoprolinuria. Also called: ANEMIA, CONGENITAL, NONSPHEROCYTIC HEMOLYTIC, 6. Identifiers: Orphanet 289849, Orphanet 32, MedGen C1856399, MONDO:0009284, OMIM 231900.
Glutathione synthetase deficiency with 5-oxoprolinuria. Also called: PYROGLUTAMIC ACIDURIA; 5-Oxoprolinuria; 5-OXOPROLINURIA DUE TO GLUTATHIONE SYNTHETASE DEFICIENCY; Reduced glutathione synthetase level; Gluthathione synthetase deficiency. Identifiers: Orphanet 289846, MedGen C0398746, MONDO:0009947, OMIM 266130, HP:0003343.
Inborn genetic diseases. Identifiers: MedGen C0950123, MeSH D030342.

Submissions (3):

Labcorp Genetics (formerly Invitae), Labcorp
Classification: Uncertain significance for Glutathione synthetase deficiency with 5-oxoprolinuria. Last evaluated: 2025-09-26. Review status: criteria provided, single submitter. Criteria: Invitae Variant Classification Sherloc (09022015). Collection method: clinical testing. Allele origin: germline.
Comment: This sequence change replaces threonine, which is neutral and polar, with methionine, which is neutral and non-polar, at codon 51 of the GSS protein (p.Thr51Met). This variant is present in population databases (rs750405485, gnomAD 0.02%). This variant has not been reported in the literature in individuals affected with GSS-related conditions. ClinVar contains an entry for this variant (Variation ID: 3893163). Invitae Evidence Modeling of protein sequence and biophysical properties (such as structural, functional, and spatial information, amino acid conservation, physicochemical variation, residue mobility, and thermodynamic stability) indicates that this missense variant is not expected to disrupt GSS protein function with a negative predictive value of 80%. In summary, the available evidence is currently insufficient to determine the role of this variant in disease. Therefore, it has been classified as a Variant of Uncertain Significance.

Ambry Genetics
Classification: Uncertain significance for Inborn genetic diseases. Last evaluated: 2025-08-11. Review status: criteria provided, single submitter. Criteria: Ambry Variant Classification Scheme 2023. Collection method: clinical testing. Allele origin: germline.

Department of Pathology and Laboratory Medicine, Sinai Health System
Classification: Uncertain significance for Glutathione synthetase deficiency without 5-oxoprolinuria; Glutathione synthetase deficiency with 5-oxoprolinuria. Last evaluated: 2020-06-24. Review status: criteria provided, single submitter. Criteria: ACMG Guidelines, 2015. Collection method: research. Allele origin: germline.

NM_000178.4(GSS):c.152C>T (p.Thr51Met)

Gene: GSS (glutathione synthetase; minus strand). Cytogenetic location: 20q11.22.
Variant type: single nucleotide variant.
Coding change: c.152C>T on transcript NM_000178.4 (MANE Select); coding-DNA position 152, C replaced by T.
Protein change: p.Thr51Met; replaces threonine 51 with methionine.
Molecular consequence: missense variant.
Genome position (GRCh38, 1-based): chr20:34,946,076, G>A on the plus strand (C>T on the coding strand, the complement: GSS is on the minus strand). VCF-style: chr20-34946076-G-A. GRCh37 (hg19) VCF-style: chr20-33533879-G-A.
Other names: c.152C>T, p.Thr51Met (NM_001322494.1, NM_001322495.1); c.152C>T (NM_000178.2); short protein forms T51M.
Identifiers: ClinVar variation 3893163 (VCV003893163.3).